The following is an entry in ClinVar:

ClinVar aggregate classification (germline): Pathogenic (1 of 4 stars; one submission).

Conditions:
Ehlers-Danlos syndrome, classic type, 1 (EDSCL1). Also called: EHLERS-DANLOS SYNDROME, GRAVIS TYPE; EHLERS-DANLOS SYNDROME, SEVERE CLASSIC TYPE; Ehlers-Danlos syndrome, type 1; Ehlers-Danlos Syndrome, Classic Type, COL5A1-Related; EDS I. Identifiers: MedGen C0268335, MONDO:0019567, OMIM 130000.

Submission:

Labcorp Genetics (formerly Invitae), Labcorp
Classification: Pathogenic for Ehlers-Danlos syndrome, classic type, 1. Last evaluated: 2024-10-12. Review status: criteria provided, single submitter. Criteria: Invitae Variant Classification Sherloc (09022015). Collection method: clinical testing. Allele origin: germline.
Comment: This sequence change creates a premature translational stop signal (p.Gln980*) in the COL5A1 gene. It is expected to result in an absent or disrupted protein product. Loss-of-function variants in COL5A1 are known to be pathogenic (PMID: 23587214). This variant is not present in population databases (gnomAD no frequency). This variant has not been reported in the literature in individuals affected with COL5A1-related conditions. For these reasons, this variant has been classified as Pathogenic.

Literature cited by the submitters: PubMed 23587214.

NM_000093.5(COL5A1):c.2938C>T (p.Gln980Ter)

Gene: COL5A1 (collagen type V alpha 1 chain; plus strand). Cytogenetic location: 9q34.3.
Variant type: single nucleotide variant.
Coding change: c.2938C>T on transcript NM_000093.5 (MANE Select); coding-DNA position 2938, C replaced by T.
Protein change: p.Gln980Ter; replaces glutamine 980 with a stop codon.
Molecular consequence: nonsense.
Genome position (GRCh38, 1-based): chr9:134,798,447, C>T. VCF-style: chr9-134798447-C-T. GRCh37 (hg19) VCF-style: chr9-137690293-C-T.
Other names: c.2938C>T, p.Gln980Ter (NM_001278074.1); short protein forms Q980*.
Identifiers: ClinVar variation 3722799 (VCV003722799.2).